The following is an entry in ClinVar:

NM_001267550.2(TTN):c.23939-24G>A

Gene: TTN (titin; minus strand). Cytogenetic location: 2q31.2.
Variant type: single nucleotide variant.
Coding change: c.23939-24G>A on transcript NM_001267550.2 (MANE Select); 24 bases into the intron before coding-DNA position 23939, G replaced by A.
Molecular consequence: intron variant.
Genome position (GRCh38, 1-based): chr2:178,719,475, C>T on the plus strand (G>A on the coding strand, the complement: TTN is on the minus strand). VCF-style: chr2-178719475-C-T. GRCh37 (hg19) VCF-style: chr2-179584202-C-T.
Other names: c.13282+18607G>A (NM_003319.4); c.13858+18607G>A (NM_133437.4); c.13657+18607G>A (NM_133432.3); c.20207-24G>A (NM_133378.4); c.22988-24G>A (NM_001256850.1).
Identifiers: ClinVar variation 675637 (VCV000675637.2), dbSNP rs150807667, ClinGen allele CA2000532.
Genomic context (GRCh38, chr2:178,719,475, plus strand): 5'-TTCAGCTTGCGGATGAAGGAAGGAGGCACAATCCGATCTATGTGGGGAAGGGTAGTTTTG[C>T]GTTTAAAGAGAAGTTTTATTCTGTGCCCCTCCACCCCCTGGAAATATTGTATATTCATAA-3'

ClinVar aggregate classification (germline): Likely benign. Review status: criteria provided, multiple submitters, no conflicts (2 of 4 stars). 2 submissions from 2 submitters: Likely benign (2). Last evaluated 2018-06-14.

Allele frequency attached by ClinVar (database versions not stated): gnomAD exomes 0.00117; ExAC 0.00145; 1000 Genomes Project 0.00479; 1000 Genomes Project 30x 0.00484; gnomAD 0.00501 and 0.00543; ESP Exome Variant Server 0.00508; TOPMed 0.00564.
gnomAD v4.1: 1,494 of 1,597,410 alleles (0.094%); highest among the groups gnomAD compares: African/African-American, 1.7%; 20 homozygotes.

Submissions (2):

GeneDx
Classification: Likely benign. Last evaluated: 2018-06-14. Review status: criteria provided, single submitter. Criteria: GeneDx Variant Classification (06012015). Collection method: clinical testing. Allele origin: germline. Affected: yes.
Comment: This variant is considered likely benign or benign based on one or more of the following criteria: it is a conservative change, it occurs at a poorly conserved position in the protein, it is predicted to be benign by multiple in silico algorithms, and/or has population frequency not consistent with disease.

Breakthrough Genomics
Classification: Likely benign. Review status: criteria provided, single submitter. Criteria: ACMG Guidelines, 2015. Collection method: not provided. Allele origin: germline. Inheritance: Autosomal recessive inheritance. Affected: yes.